The following is an entry in ClinVar:

ClinVar aggregate classification (germline): Conflicting classifications of pathogenicity. Review status: criteria provided, conflicting classifications (1 of 4 stars). 7 submissions from 7 submitters: Uncertain significance (1); Likely benign (4). 2 of the submissions do not count toward it. Last evaluated 2024-08-04.

Conditions:
ATM-related disorder. Also called: ATM-related disorders; ATM-related condition.
Hereditary cancer-predisposing syndrome. Also called: Tumor predisposition; Hereditary neoplastic syndrome; Neoplastic Syndromes, Hereditary; Hereditary Cancer Syndrome. Identifiers: Orphanet 140162, MedGen C0027672, MeSH D009386, MONDO:0015356.
Familial cancer of breast. Also called: hereditary breast carcinoma; Hereditary breast cancer; BREAST CANCER, FAMILIAL. Identifiers: Orphanet 227535, MedGen C0346153, MONDO:0016419, OMIM 114480. Disease mechanism: loss of function.
Ataxia-telangiectasia syndrome (AT). Also called: Ataxia-telangiectasia, complementation group E; AT, COMPLEMENTATION GROUP C; ATAXIA-TELANGIECTASIA, COMPLEMENTATION GROUP A; ATAXIA-TELANGIECTASIA, FRESNO VARIANT; Ataxia-telangiectasia; LOUIS-BAR SYNDROME. Identifiers: Orphanet 100, MedGen C0004135, MONDO:0008840, OMIM 208900.

Allele frequency attached by ClinVar (database versions not stated): gnomAD exomes below 0.00001; gnomAD 0.00001; TOPMed 0.00001.
gnomAD v4.1: 5 of 1,605,200 alleles (0.00031%); highest among the groups gnomAD compares: Non-Finnish European, 0.00043%; no homozygotes.

Submissions (7):

Labcorp Genetics (formerly Invitae), Labcorp
Classification: Likely benign for Ataxia-telangiectasia syndrome. Last evaluated: 2024-08-04. Review status: criteria provided, single submitter. Criteria: Invitae Variant Classification Sherloc (09022015). Collection method: clinical testing. Allele origin: germline.

Myriad Genetics, Inc.
Classification: Likely benign for Familial cancer of breast. Last evaluated: 2024-05-23. Review status: criteria provided, single submitter. Criteria: Myriad Autosomal Dominant, Autosomal Recessive and X-Linked Classification Criteria (2023). Collection method: clinical testing. Allele origin: unknown.
Comment: This variant is considered likely benign. This variant is intronic and is not expected to impact mRNA splicing.

Quest Diagnostics Nichols Institute San Juan Capistrano
Classification: Uncertain significance. Last evaluated: 2023-11-16. Review status: criteria provided, single submitter. Criteria: Quest Diagnostics criteria. Collection method: clinical testing. Allele origin: unknown.

Color Diagnostics, LLC DBA Color Health
Classification: Likely benign for Hereditary cancer-predisposing syndrome. Last evaluated: 2018-05-11. Review status: criteria provided, single submitter. Criteria: ACMG Guidelines, 2015. Collection method: clinical testing. Allele origin: germline.

GeneDx
Classification: Likely benign. Last evaluated: 2016-04-18. Review status: criteria provided, single submitter. Criteria: GeneDx Variant Classification (06012015). Collection method: clinical testing. Allele origin: germline. Affected: yes.
Comment: This variant is considered likely benign or benign based on one or more of the following criteria: it is a conservative change, it occurs at a poorly conserved position in the protein, it is predicted to be benign by multiple in silico algorithms, and/or has population frequency not consistent with disease.

PreventionGenetics, part of Exact Sciences
Classification: Likely benign for ATM-related condition. Last evaluated: 2024-01-23. Review status: no assertion criteria provided. Collection method: clinical testing. Allele origin: germline. Not counted in ClinVar's aggregate classification.
Comment: This variant is classified as likely benign based on ACMG/AMP sequence variant interpretation guidelines (Richards et al. 2015 PMID: 25741868, with internal and published modifications).

Counsyl
Classification: Uncertain significance for Ataxia-telangiectasia syndrome. Last evaluated: 2017-08-08. Review status: no assertion criteria provided. Collection method: clinical testing. Allele origin: unknown. Not counted in ClinVar's aggregate classification.

NM_000051.4(ATM):c.5320-10T>C

Gene: ATM (ATM serine/threonine kinase; plus strand). Cytogenetic location: 11q22.3.
Variant type: single nucleotide variant.
Coding change: c.5320-10T>C on transcript NM_000051.4 (MANE Select); 10 bases into the intron before coding-DNA position 5320, T replaced by C.
Molecular consequence: intron variant.
Genome position (GRCh38, 1-based): chr11:108,302,843, T>C. VCF-style: chr11-108302843-T-C. GRCh37 (hg19) VCF-style: chr11-108173570-T-C.
Other names: c.5320-10T>C (NM_001351834.2).
Identifiers: ClinVar variation 221061 (VCV000221061.20), dbSNP rs864622731, ClinGen allele CA350374.